The following is an entry in ClinVar:

NM_001349338.3(FOXP1):c.1433T>G (p.Ile478Ser)

Genes: FOXP1 (forkhead box P1; minus strand), LOC126806714 (BRD4-independent group 4 enhancer GRCh37_chr3:71025197-71026396; plus strand). Cytogenetic location: 3p13.
Variant type: single nucleotide variant.
Coding change: c.1433T>G on transcript NM_001349338.3 (MANE Select); coding-DNA position 1433, T replaced by G.
Protein change: p.Ile478Ser; replaces isoleucine 478 with serine.
Molecular consequence: missense variant. On other transcripts: non-coding transcript variant (2).
Genome position (GRCh38, 1-based): chr3:70,977,038, A>C on the plus strand (T>G on the coding strand, the complement: FOXP1 is on the minus strand). VCF-style: chr3-70977038-A-C. GRCh37 (hg19) VCF-style: chr3-71026189-A-C.
Other names: c.1430T>G, p.Ile477Ser (NM_001244808.3, NM_001349341.3); c.1433T>G, p.Ile478Ser (NM_001244810.2, NM_001244814.3, NM_001244816.2 and 2 more transcripts); c.1205T>G, p.Ile402Ser (NM_001244812.3); c.1133T>G, p.Ile378Ser (NM_001244813.3, NM_001244815.2, NM_001349342.3); c.1130T>G, p.Ile377Ser (NM_001349337.2, NM_001349343.3, NM_001349344.3 and 1 more transcripts); short protein forms I377S, I378S, I402S, I477S, I478S.
Identifiers: ClinVar variation 3254669 (VCV003254669.1), dbSNP rs2545110718.

ClinVar aggregate classification (germline): Likely pathogenic (1 of 4 stars; one submission).

Conditions:
Intellectual disability-severe speech delay-mild dysmorphism syndrome (IDDLA). Also called: Mental retardation with language impairment and autistic features; Intellectual developmental disorder with language impairment AND with or without autistic features; FOXP1 Syndrome. Identifiers: Orphanet 391372, MedGen C4013764, MONDO:0013352, OMIM 613670.

Submission:

Victorian Clinical Genetics Services, Murdoch Childrens Research Institute
Classification: Likely pathogenic for Intellectual disability-severe speech delay-mild dysmorphism syndrome. Last evaluated: 2023-12-21. Review status: criteria provided, single submitter. Criteria: ACMG Guidelines, 2015. Collection method: clinical testing. Allele origin: germline. Inheritance: Autosomal dominant inheritance. Affected: yes.
Comment: Based on the classification scheme VCGS_Germline_v1.3.4, this variant is classified as Likely pathogenic. Following criteria are met: 0102 - Loss of function is a known mechanism of disease in this gene and is associated with intellectual developmental disorder with language impairment with or without autistic features (MIM#613670). Dominant-negative is also a suggested disease mechanism (OMIM). (I) 0107 - This gene is associated with autosomal dominant disease. (I) 0200 - Variant is predicted to result in a missense amino acid change from isoleucine to serine. (I) 0251 - This variant is heterozygous. (I) 0301 - Variant is absent from gnomAD (both v2 and v3). (SP) 0501 - Missense variant consistently predicted to be damaging by multiple in silico tools or highly conserved with a major amino acid change. (SP) 0602 - Variant is located in a hotspot region or cluster of pathogenic variants in the forkhead domain (DECIPHER). (SP) 0710 - Another missense variant comparable to the one identified in this case has inconclusive previous evidence for pathogenicity. This comparable variant, p.(Ile478Leu), has been classified once as VUS (ClinVar). (I) 0807 - This variant has no previous evidence of pathogenicity. (I) 0905 - No published segregation evidence has been identified for this variant. (I) 1007 - No published functional evidence has been identified for this variant. (SP) Legend: (SP) - Supporting pathogenic, (I) - Information, (SB) - Supporting benign